The following is an entry in ClinVar:

NM_172364.5(CACNA2D4):c.484G>A (p.Val162Met)

Gene: CACNA2D4 (calcium voltage-gated channel auxiliary subunit alpha2delta 4; minus strand). Cytogenetic location: 12p13.33.
Variant type: single nucleotide variant.
Coding change: c.484G>A on transcript NM_172364.5 (MANE Select); coding-DNA position 484, G replaced by A.
Protein change: p.Val162Met; replaces valine 162 with methionine.
Molecular consequence: missense variant.
Genome position (GRCh38, 1-based): chr12:1,909,908, C>T on the plus strand (G>A on the coding strand, the complement: CACNA2D4 is on the minus strand). VCF-style: chr12-1909908-C-T. GRCh37 (hg19) VCF-style: chr12-2019074-C-T.
Other names: short protein forms V162M.
Identifiers: ClinVar variation 953088 (VCV000953088.9), dbSNP rs369000151, ClinGen allele CA231584309.

ClinVar aggregate classification (germline): Uncertain significance (1 of 4 stars; one submission).

Allele frequency attached by ClinVar (database versions not stated): gnomAD 0.00001; gnomAD exomes 0.00001; TOPMed 0.00001; ESP Exome Variant Server 0.00008.
gnomAD v4.1: 4 of 1,613,432 alleles (0.00025%); highest among the groups gnomAD compares: African/African-American, 0.0013%; no homozygotes.

Submission:

Labcorp Genetics (formerly Invitae), Labcorp
Classification: Uncertain significance. Last evaluated: 2024-10-24. Review status: criteria provided, single submitter. Criteria: Invitae Variant Classification Sherloc (09022015). Collection method: clinical testing. Allele origin: germline.
Comment: This sequence change replaces valine, which is neutral and non-polar, with methionine, which is neutral and non-polar, at codon 162 of the CACNA2D4 protein (p.Val162Met). This variant is not present in population databases (gnomAD no frequency). This variant has not been reported in the literature in individuals affected with CACNA2D4-related conditions. ClinVar contains an entry for this variant (Variation ID: 953088). An algorithm developed to predict the effect of missense changes on protein structure and function outputs the following: PolyPhen-2: "Benign". The methionine amino acid residue is found in multiple mammalian species, which suggests that this missense change does not adversely affect protein function. In summary, the available evidence is currently insufficient to determine the role of this variant in disease. Therefore, it has been classified as a Variant of Uncertain Significance.